The following is an entry in ClinVar:

ClinVar aggregate classification (germline): Uncertain significance (1 of 4 stars; one submission).

Conditions:
NRP2-related disorder. Also called: NRP2-related condition.

gnomAD v4.1: 9 of 1,614,078 alleles (0.00056%); highest among the groups gnomAD compares: African/African-American, 0.0013%; no homozygotes.

Submission:

PreventionGenetics, part of Exact Sciences
Classification: Uncertain significance for NRP2-related condition. Last evaluated: 2026-01-05. Review status: criteria provided, single submitter. Criteria: ACMG Guidelines, 2015. Collection method: clinical testing. Allele origin: germline.
Comment: The NRP2 c.1450G>C variant is predicted to result in the amino acid substitution p.Gly484Arg. To our knowledge, this variant has not been reported in the literature or in a large population database (gnomAD), indicating this variant is rare. At this time, the clinical significance of this variant is uncertain due to the absence of conclusive functional and genetic evidence.

NM_003872.3(NRP2):c.1450G>C (p.Gly484Arg)

Gene: NRP2 (neuropilin 2; plus strand). Cytogenetic location: 2q33.3.
Variant type: single nucleotide variant.
Coding change: c.1450G>C on transcript NM_003872.3 (MANE Select); coding-DNA position 1450, G replaced by C.
Protein change: p.Gly484Arg; replaces glycine 484 with arginine.
Molecular consequence: missense variant.
Genome position (GRCh38, 1-based): chr2:205,743,361, G>C. VCF-style: chr2-205743361-G-C. GRCh37 (hg19) VCF-style: chr2-206608085-G-C.
Other names: c.1450G>C, p.Gly484Arg (NM_018534.4, NM_201264.2, NM_201266.2 and 2 more transcripts); short protein forms G484R.
Identifiers: ClinVar variation 4983150 (VCV004983150.1).